The following is an entry in ClinVar:

ClinVar aggregate classification (germline): Uncertain significance (1 of 4 stars; one submission).

Conditions:
Familial sleep-related hypermotor epilepsy. Also called: Autosomal Dominant Sleep-Related Hypermotor (Hyperkinetic) Epilepsy. Identifiers: Orphanet 98784, MedGen C3696898, MONDO:0000030.

Allele frequency attached by ClinVar (database versions not stated): gnomAD 0.00001; TOPMed 0.00001; gnomAD exomes 0.00002 and 0.00005.
gnomAD v4.1: 74 of 1,614,094 alleles (0.0046%); highest among the groups gnomAD compares: Non-Finnish European, 0.0059%; no homozygotes.

Submission:

Labcorp Genetics (formerly Invitae), Labcorp
Classification: Uncertain significance. Last evaluated: 2024-06-18. Review status: criteria provided, single submitter. Criteria: Invitae Variant Classification Sherloc (09022015). Collection method: clinical testing. Allele origin: germline.
Comment: This sequence change replaces glutamic acid, which is acidic and polar, with aspartic acid, which is acidic and polar, at codon 182 of the CHRNB2 protein (p.Glu182Asp). This variant is present in population databases (rs199696100, gnomAD 0.004%). This variant has not been reported in the literature in individuals affected with CHRNB2-related conditions. ClinVar contains an entry for this variant (Variation ID: 1510666). Advanced modeling of protein sequence and biophysical properties (such as structural, functional, and spatial information, amino acid conservation, physicochemical variation, residue mobility, and thermodynamic stability) performed at Invitae indicates that this missense variant is not expected to disrupt CHRNB2 protein function with a negative predictive value of 80%. In summary, the available evidence is currently insufficient to determine the role of this variant in disease. Therefore, it has been classified as a Variant of Uncertain Significance.

NM_000748.3(CHRNB2):c.546G>T (p.Glu182Asp)

Gene: CHRNB2 (cholinergic receptor nicotinic beta 2 subunit; plus strand). Cytogenetic location: 1q21.3.
Variant type: single nucleotide variant.
Coding change: c.546G>T on transcript NM_000748.3 (MANE Select); coding-DNA position 546, G replaced by T.
Protein change: p.Glu182Asp; replaces glutamic acid 182 with aspartic acid.
Molecular consequence: missense variant.
Genome position (GRCh38, 1-based): chr1:154,571,369, G>T. VCF-style: chr1-154571369-G-T. GRCh37 (hg19) VCF-style: chr1-154543845-G-T.
Other names: short protein forms E182D.
Identifiers: ClinVar variation 1510666 (VCV001510666.8), dbSNP rs199696100, ClinGen allele CA30834187.